The following is an entry in ClinVar:

ClinVar aggregate classification (germline): Likely benign (1 of 4 stars; one submission).

Submission:

CeGaT Center for Human Genetics Tuebingen
Classification: Likely benign. Last evaluated: 2026-08-01. Review status: criteria provided, single submitter. Criteria: CeGaT Center For Human Genetics Tuebingen Variant Classification Criteria Version 2. Collection method: clinical testing. Allele origin: germline. Affected: yes. Observed: 2 variant alleles.
Comment: DLL1: PM2:Supporting, BP4, BP7

NM_005618.4(DLL1):c.1413T>A (p.Pro471=)

Gene: DLL1 (delta like canonical Notch ligand 1; minus strand). Cytogenetic location: 6q27.
Variant type: single nucleotide variant.
Coding change: c.1413T>A on transcript NM_005618.4 (MANE Select); coding-DNA position 1413, T replaced by A.
Protein change: p.Pro471=; no amino-acid change (proline 471 retained).
Molecular consequence: synonymous variant.
Genome position (GRCh38, 1-based): chr6:170,283,866, A>T on the plus strand (T>A on the coding strand, the complement: DLL1 is on the minus strand). VCF-style: chr6-170283866-A-T. GRCh37 (hg19) VCF-style: chr6-170592954-A-T.
Identifiers: ClinVar variation 5039109 (VCV005039109.1).